The following is an entry in ClinVar:

ClinVar aggregate classification (germline): Uncertain significance. Review status: criteria provided, multiple submitters, no conflicts (2 of 4 stars). 4 submissions from 4 submitters: Uncertain significance (4). Last evaluated 2023-09-07.

Conditions:
Inborn genetic diseases. Identifiers: MedGen C0950123, MeSH D030342.

gnomAD v4.1: 23 of 1,613,960 alleles (0.0014%); highest among the groups gnomAD compares: Non-Finnish European, 0.0019%; no homozygotes.

Submissions (4):

Women's Health and Genetics/Laboratory Corporation of America, LabCorp
Classification: Uncertain significance. Last evaluated: 2023-09-07. Review status: criteria provided, single submitter. Criteria: LabCorp Variant Classification Summary - May 2015. Collection method: clinical testing. Allele origin: germline.
Comment: Variant summary: GTPBP3 c.761C>A (p.Ala254Asp) results in a non-conservative amino acid change located in the Small GTP-binding protein domain (IPR005225) of the encoded protein sequence. Three of five in-silico tools predict a benign effect of the variant on protein function. The variant allele was found at a frequency of 4e-06 in 250190 control chromosomes (gnomAD). The available data on variant occurrences in the general population are insufficient to allow any conclusion about variant significance. To our knowledge, no occurrence of c.761C>A in individuals affected with Combined Oxidative Phosphorylation Defect Type 23 and no experimental evidence demonstrating its impact on protein function have been reported. Three submitters have cited clinical-significance assessments for this variant to ClinVar after 2014. All submitters classified the variant as uncertain significance. Based on the evidence outlined above, the variant was classified as uncertain significance.

Ambry Genetics
Classification: Uncertain significance for Inborn genetic diseases. Last evaluated: 2023-02-22. Review status: criteria provided, single submitter. Criteria: Ambry Variant Classification Scheme 2023. Collection method: clinical testing. Allele origin: germline.

Labcorp Genetics (formerly Invitae), Labcorp
Classification: Uncertain significance. Last evaluated: 2022-11-15. Review status: criteria provided, single submitter. Criteria: Invitae Variant Classification Sherloc (09022015). Collection method: clinical testing. Allele origin: germline.
Comment: ClinVar contains an entry for this variant (Variation ID: 1496012). Advanced modeling of protein sequence and biophysical properties (such as structural, functional, and spatial information, amino acid conservation, physicochemical variation, residue mobility, and thermodynamic stability) performed at Invitae indicates that this missense variant is not expected to disrupt GTPBP3 protein function. In summary, the available evidence is currently insufficient to determine the role of this variant in disease. Therefore, it has been classified as a Variant of Uncertain Significance. This variant has not been reported in the literature in individuals affected with GTPBP3-related conditions. This sequence change replaces alanine, which is neutral and non-polar, with aspartic acid, which is acidic and polar, at codon 254 of the GTPBP3 protein (p.Ala254Asp). This variant is present in population databases (no rsID available, gnomAD 0.0009%).

GeneDx
Classification: Uncertain significance. Last evaluated: 2022-02-21. Review status: criteria provided, single submitter. Criteria: GeneDx Variant Classification Process June 2021. Collection method: clinical testing. Allele origin: germline. Affected: yes.
Comment: Not observed at significant frequency in large population cohorts (gnomAD); In silico analysis supports that this missense variant has a deleterious effect on protein structure/function; Has not been previously published as pathogenic or benign to our knowledge

NM_032620.4(GTPBP3):c.665C>A (p.Ala222Asp)

Gene: GTPBP3 (GTP binding protein 3, mitochondrial; plus strand). Cytogenetic location: 19p13.11.
Variant type: single nucleotide variant.
Coding change: c.665C>A on transcript NM_032620.4 (MANE Select); coding-DNA position 665, C replaced by A.
Protein change: p.Ala222Asp; replaces alanine 222 with aspartic acid.
Molecular consequence: missense variant.
Genome position (GRCh38, 1-based): chr19:17,339,123, C>A. VCF-style: chr19-17339123-C-A. GRCh37 (hg19) VCF-style: chr19-17449932-C-A.
Other names: c.665C>A, p.Ala222Asp (NM_001128855.3); c.731C>A, p.Ala244Asp (NM_001195422.1); c.761C>A, p.Ala254Asp (NM_133644.4); short protein forms A254D, A222D, A244D.
Identifiers: ClinVar variation 1496012 (VCV001496012.12), dbSNP rs373370177, ClinGen allele CA404736231.